The following is an entry in ClinVar:

ClinVar aggregate classification (germline): Pathogenic (1 of 4 stars; one submission).

Conditions:
Hereditary breast ovarian cancer syndrome. Also called: Hereditary breast and ovarian cancer syndrome; Hereditary breast and/or ovarian cancer syndrome; Hereditary breast and ovarian cancer syndrome (HBOC); Breast and ovarian cancer; BRCA1- and BRCA2-Associated Hereditary Breast and Ovarian Cancer; Hereditary breast and ovarian cancer. Identifiers: Orphanet 145, MedGen C0677776, MeSH D061325, MONDO:0003582. Disease mechanism: loss of function.

Submission:

Labcorp Genetics (formerly Invitae), Labcorp
Classification: Pathogenic for Hereditary breast and ovarian cancer syndrome. Last evaluated: 2018-03-28. Review status: criteria provided, single submitter. Criteria: Invitae Variant Classification Sherloc (09022015). Collection method: clinical testing. Allele origin: germline.
Comment: This variant is an out-of-frame deletion of the genomic region encompassing exon 4 of the BRCA2 gene. This is expected to create a premature translational stop signal and result in an absent or disrupted protein product. A similar deletion of exon 4 has been reported in an individual affected with breast cancer who also has a pathogenic allele in BRCA1 (PMID: 26287763). Loss-of-function variants in BRCA2 are known to be pathogenic (PMID: 20104584). For these reasons, this variant has been classified as Pathogenic.

Literature cited by the submitters: PubMed 26287763.

NC_000013.11:g.(?_32325070)_(32325190_?)del

Gene: BRCA2 (BRCA2 DNA repair associated; plus strand). Cytogenetic location: 13q13.1.
Variant type: Deletion.
Identifiers: ClinVar variation 583702 (VCV000583702.1).